The following is an entry in ClinVar:

ClinVar aggregate classification (germline): Likely benign (0 of 4 stars; one submission).

Conditions:
EPPK1-related disorder. Also called: EPPK1-related condition.

Allele frequency attached by ClinVar (database versions not stated): gnomAD 0.00022; TOPMed 0.00033; ExAC 0.00063; 1000 Genomes Project 0.00100; 1000 Genomes Project 30x 0.00203.
gnomAD v4.1: 281 of 1,602,014 alleles (0.018%); highest among the groups gnomAD compares: East Asian, 0.41%; 5 homozygotes.

Submission:

PreventionGenetics, part of Exact Sciences
Classification: Likely benign for EPPK1-related condition. Last evaluated: 2021-06-01. Review status: no assertion criteria provided. Collection method: clinical testing. Allele origin: germline.
Comment: This variant is classified as likely benign based on ACMG/AMP sequence variant interpretation guidelines (Richards et al. 2015 PMID: 25741868, with internal and published modifications).

NM_031308.4(EPPK1):c.945G>A (p.Ala315=)

Gene: EPPK1 (epiplakin 1; minus strand). Cytogenetic location: 8q24.3.
Variant type: single nucleotide variant.
Coding change: c.945G>A on transcript NM_031308.4 (MANE Select); coding-DNA position 945, G replaced by A.
Protein change: p.Ala315=; no amino-acid change (alanine 315 retained).
Molecular consequence: synonymous variant.
Genome position (GRCh38, 1-based): chr8:143,872,309, C>T on the plus strand (G>A on the coding strand, the complement: EPPK1 is on the minus strand). VCF-style: chr8-143872309-C-T. GRCh37 (hg19) VCF-style: chr8-144946477-C-T.
Identifiers: ClinVar variation 3047157 (VCV003047157.2), dbSNP rs111703264, ClinGen allele CA4923492.
Genomic context (GRCh38, chr8:143,872,309, plus strand): 5'-CTGGCCTGTGATGGGGTCCACCAGGGTGTGGGTGGCAGCCTGGGCCTCTAGGAGTGGCAG[C>T]GCGGTGCCCATTGGGAGCAGGTGCTCGGTGGCAGCCTGGAAAAAGCTCTTCTTGTGGCCT-3'
Protein context (NP_112598.3, residues 305-325): ATEHLLPMGT[Ala315=]LPLLEAQAAT